The following is an entry in ClinVar:

ClinVar aggregate classification (germline): Conflicting classifications of pathogenicity. Review status: criteria provided, conflicting classifications (1 of 4 stars). 4 submissions from 4 submitters: Uncertain significance (3); Likely benign (1). Last evaluated 2024-10-16.

Conditions:
Cardiovascular phenotype. Identifiers: MedGen CN230736.
Noonan syndrome 9 (NS9). Identifiers: Orphanet 648, MedGen C4225282, MONDO:0014691, OMIM 616559.

Allele frequency attached by ClinVar (database versions not stated): gnomAD exomes below 0.00001; TOPMed 0.00002; gnomAD 0.00003 and 0.00004.

Submissions (4):

Labcorp Genetics (formerly Invitae), Labcorp
Classification: Likely benign for Noonan syndrome 9. Last evaluated: 2024-10-16. Review status: criteria provided, single submitter. Criteria: Invitae Variant Classification Sherloc (09022015). Collection method: clinical testing. Allele origin: germline.

GeneDx
Classification: Uncertain significance. Last evaluated: 2024-09-23. Review status: criteria provided, single submitter. Criteria: GeneDx Variant Classification Process June 2021. Collection method: clinical testing. Allele origin: germline. Affected: yes.
Comment: In silico analysis indicates that this missense variant does not alter protein structure/function; Has not been previously published as pathogenic or benign to our knowledge

Ambry Genetics
Classification: Uncertain significance for Cardiovascular phenotype. Last evaluated: 2024-03-02. Review status: criteria provided, single submitter. Criteria: Ambry Variant Classification Scheme 2023. Collection method: clinical testing. Allele origin: germline.
Comment: The p.L659S variant (also known as c.1976T>C), located in coding exon 12 of the SOS2 gene, results from a T to C substitution at nucleotide position 1976. The leucine at codon 659 is replaced by serine, an amino acid with dissimilar properties. This amino acid position is conserved. In addition, this alteration is predicted to be tolerated by in silico analysis. Since supporting evidence is limited at this time, the clinical significance of this alteration remains unclear.

Genome-Nilou Lab
Classification: Uncertain significance for Noonan syndrome 9. Review status: criteria provided, single submitter. Criteria: ACMG Guidelines, 2015. Collection method: clinical testing. Allele origin: germline.

NM_006939.4(SOS2):c.1976T>C (p.Leu659Ser)

Gene: SOS2 (SOS Ras/Rho guanine nucleotide exchange factor 2; minus strand). Cytogenetic location: 14q21.3.
Variant type: single nucleotide variant.
Coding change: c.1976T>C on transcript NM_006939.4 (MANE Select); coding-DNA position 1976, T replaced by C.
Protein change: p.Leu659Ser; replaces leucine 659 with serine.
Molecular consequence: missense variant.
Genome position (GRCh38, 1-based): chr14:50,157,080, A>G on the plus strand (T>C on the coding strand, the complement: SOS2 is on the minus strand). VCF-style: chr14-50157080-A-G. GRCh37 (hg19) VCF-style: chr14-50623798-A-G.
Other names: short protein forms L659S.
Identifiers: ClinVar variation 846991 (VCV000846991.12), dbSNP rs1391029692, ClinGen allele CA389644519.